The following is an entry in ClinVar:

NM_002474.3(MYH11):c.5528C>G (p.Ser1843Trp)

Genes: MYH11 (myosin heavy chain 11; minus strand), NDE1 (nudE neurodevelopment protein 1; plus strand). Cytogenetic location: 16p13.11.
Variant type: single nucleotide variant.
Coding change: c.5528C>G on transcript NM_002474.3 (MANE Select); coding-DNA position 5528, C replaced by G.
Protein change: p.Ser1843Trp; replaces serine 1843 with tryptophan.
Molecular consequence: missense variant. On other transcripts: intron variant (2).
Genome position (GRCh38, 1-based): chr16:15,715,249, G>C on the plus strand (C>G on the coding strand, the complement: MYH11 is on the minus strand). VCF-style: chr16-15715249-G-C. GRCh37 (hg19) VCF-style: chr16-15809106-G-C.
Other names: c.5549C>G, p.Ser1850Trp (NM_001040113.2, NM_001040114.2); c.5528C>G, p.Ser1843Trp (NM_022844.3); c.948-8942G>C (NM_001143979.2, NM_017668.3); short protein forms S1843W, S1850W.
Identifiers: ClinVar variation 927059 (VCV000927059.13), dbSNP rs148621523, ClinGen allele CA394847521.

ClinVar aggregate classification (germline): Uncertain significance. Review status: criteria provided, multiple submitters, no conflicts (2 of 4 stars). 5 submissions from 5 submitters: Uncertain significance (5). Last evaluated 2026-07-17.

Conditions:
Familial thoracic aortic aneurysm and aortic dissection (TAAD). Also called: Thoracic aortic aneurysms and dissections. Identifiers: Orphanet 91387, MedGen C4707243, MONDO:0019625.
Aortic aneurysm, familial thoracic 4 (AAT4). Also called: AORTIC ANEURYSM/AORTIC DISSECTION AND PATENT DUCTUS ARTERIOSUS. Identifiers: MedGen C1851504, MONDO:0007568, OMIM 132900.

gnomAD v4.1: 5 of 1,614,032 alleles (0.00031%); highest among the groups gnomAD compares: Admixed American, 0.0017%; no homozygotes.

Submissions (5):

Ambry Genetics
Classification: Uncertain significance for Familial thoracic aortic aneurysm and aortic dissection. Last evaluated: 2026-07-17. Review status: criteria provided, single submitter. Criteria: Ambry Variant Classification Scheme 2023. Collection method: clinical testing. Allele origin: germline.
Comment: The p.S1843W variant (also known as c.5528C>G), located in coding exon 38 of the MYH11 gene, results from a C to G substitution at nucleotide position 5528. The serine at codon 1843 is replaced by tryptophan, an amino acid with highly dissimilar properties. This amino acid position is conserved. In addition, this alteration is predicted to be tolerated by in silico analysis. Based on the available evidence, the clinical significance of this variant remains unclear.

Labcorp Genetics (formerly Invitae), Labcorp
Classification: Uncertain significance for Aortic aneurysm, familial thoracic 4. Last evaluated: 2025-10-10. Review status: criteria provided, single submitter. Criteria: Invitae Variant Classification Sherloc (09022015). Collection method: clinical testing. Allele origin: germline.
Comment: This sequence change replaces serine, which is neutral and polar, with tryptophan, which is neutral and slightly polar, at codon 1850 of the MYH11 protein (p.Ser1850Trp). This variant is present in population databases (no rsID available, gnomAD 0.003%). This variant has not been reported in the literature in individuals affected with MYH11-related conditions. ClinVar contains an entry for this variant (Variation ID: 927059). Invitae Evidence Modeling of protein sequence and biophysical properties (such as structural, functional, and spatial information, amino acid conservation, physicochemical variation, residue mobility, and thermodynamic stability) indicates that this missense variant is not expected to disrupt MYH11 protein function with a negative predictive value of 95%. In summary, the available evidence is currently insufficient to determine the role of this variant in disease. Therefore, it has been classified as a Variant of Uncertain Significance.

Color Diagnostics, LLC DBA Color Health
Classification: Uncertain significance for Familial thoracic aortic aneurysm and aortic dissection. Last evaluated: 2023-12-05. Review status: criteria provided, single submitter. Criteria: ACMG Guidelines, 2015. Collection method: clinical testing. Allele origin: germline.
Comment: This missense variant replaces serine with tryptophan at codon 1850 of the MYH11 protein. Computational prediction tools and conservation analyses are inconclusive regarding the impact of this variant on the protein function. Computational splicing tools suggest that this variant may not impact RNA splicing. To our knowledge, functional assays have not been performed for this variant nor has this variant been reported in individuals affected with cardiovascular disorders in the literature. This variant has been identified in 1/251370 chromosomes in the general population by the Genome Aggregation Database (gnomAD). Available evidence is insufficient to determine the role of this variant in disease conclusively. Therefore, this variant is classified as a Variant of Uncertain Significance.

All of Us Research Program, National Institutes of Health
Classification: Uncertain significance for Familial thoracic aortic aneurysm and aortic dissection. Last evaluated: 2023-11-30. Review status: criteria provided, single submitter. Criteria: ACMG Guidelines, 2015. Collection method: clinical testing. Allele origin: germline. Inheritance: Autosomal dominant inheritance. Observed: 1 variant allele, 1 heterozygote.
Comment: This missense variant replaces serine with tryptophan at codon 1850 of the MYH11 protein. Computational prediction tools and conservation analyses are inconclusive regarding the impact of this variant on the protein function. Computational splicing tools suggest that this variant may not impact RNA splicing. To our knowledge, functional assays have not been performed for this variant nor has this variant been reported in individuals affected with cardiovascular disorders in the literature. This variant has been identified in 1/251370 chromosomes in the general population by the Genome Aggregation Database (gnomAD). Available evidence is insufficient to determine the role of this variant in disease conclusively. Therefore, this variant is classified as a Variant of Uncertain Significance.

This study involves interpretation of variants in research participants for the purpose of population health screening. Participant phenotype was not available at the time of variant classification. Additional details can be found in publication PMID: 35346344, PMCID: PMC8962531

Baylor Genetics
Classification: Uncertain significance for Aortic aneurysm, familial thoracic 4. Last evaluated: 2019-12-17. Review status: criteria provided, single submitter. Criteria: ACMG Guidelines, 2015. Collection method: clinical testing. Allele origin: unknown. Affected: yes.
Comment: This variant was determined to be of uncertain significance according to ACMG Guidelines, 2015 [PMID:25741868].